The following is an entry in ClinVar:

NM_000187.4(HGD):c.410T>C (p.Leu137Pro)

Gene: HGD (homogentisate 1,2-dioxygenase; minus strand). Cytogenetic location: 3q13.33.
Variant type: single nucleotide variant.
Coding change: c.410T>C on transcript NM_000187.4 (MANE Select); coding-DNA position 410, T replaced by C.
Protein change: p.Leu137Pro; replaces leucine 137 with proline.
Molecular consequence: missense variant.
Genome position (GRCh38, 1-based): chr3:120,650,798, A>G on the plus strand (T>C on the coding strand, the complement: HGD is on the minus strand). VCF-style: chr3-120650798-A-G. GRCh37 (hg19) VCF-style: chr3-120369645-A-G.
Other names: short protein forms L137P.
Identifiers: ClinVar variation 2627731 (VCV002627731.1), dbSNP rs2472716303, ClinGen allele CA354078023.
Genomic context (GRCh38, chr3:120,650,798, plus strand): 5'-GATGGGCATGTCCTTCCCTAGAACTGAGCCACTTACCTGTTCTCCATGGAGGTATTGCAG[A>G]GGAAAATGTGGATAGCAAGCCCATTGTTAGACTTTATGTCTCCAGCTCCACACAAGGTAT-3'
Protein context (NP_000178.2, residues 127-147): SNNGLAIHIF[Leu137Pro]CNTSMENRCF

ClinVar aggregate classification (germline): Pathogenic (0 of 4 stars; one submission).

Conditions:
Alkaptonuria (AKU). Also called: Alkaptonuric ochronosis; Homogentisic acidura; Alcaptonuria; HOMOGENTISIC ACID OXIDASE DEFICIENCY. Identifiers: Orphanet 56, MedGen C0002066, MONDO:0008753, OMIM 203500.

Submission:

Department Of Human Genetics, Institute Of Clinical And Translational Research, Biomedical Research Center, Slovak Academy Of Sciences
Classification: Pathogenic for Alkaptonuria. Review status: no assertion criteria provided. Collection method: research. Allele origin: germline. Inheritance: Autosomal recessive inheritance. Affected: yes. Observed: 3 variant alleles.
Comment: The variant was originally described in AKU patient in PMID:19862842. It has been submitted to the HGD gene mutation database (DB-ID: AKU_00036).

Literature cited by the submitters: PubMed 19862842.